The following is an entry in ClinVar:

NM_001103.4(ACTN2):c.544G>T (p.Asp182Tyr)

Gene: ACTN2 (actinin alpha 2; plus strand). Cytogenetic location: 1q43.
Variant type: single nucleotide variant.
Coding change: c.544G>T on transcript NM_001103.4 (MANE Select); coding-DNA position 544, G replaced by T.
Protein change: p.Asp182Tyr; replaces aspartic acid 182 with tyrosine.
Molecular consequence: missense variant. On other transcripts: non-coding transcript variant (1).
Genome position (GRCh38, 1-based): chr1:236,727,685, G>T. VCF-style: chr1-236727685-G-T. GRCh37 (hg19) VCF-style: chr1-236890985-G-T.
Other names: c.544G>T, p.Asp182Tyr (NM_001278343.2); short protein forms D182Y.
Identifiers: ClinVar variation 3758466 (VCV003758466.2).

ClinVar aggregate classification (germline): Uncertain significance (1 of 4 stars; one submission).

Conditions:
Primary familial hypertrophic cardiomyopathy (HCM). Identifiers: Orphanet 99739, MedGen C0949658, MeSH D024741, MONDO:0024573. Inheritance: Various modes of inheritance.
Dilated cardiomyopathy 1AA (CMD1AA). Also called: CARDIOMYOPATHY, DILATED, 1AA, WITH OR WITHOUT LEFT VENTRICULAR NONCOMPACTION; CARDIOMYOPATHY, FAMILIAL HYPERTROPHIC, 23, WITH OR WITHOUT LEFT VENTRICULAR NONCOMPACTION; Cardiomyopathy, dilated, 1AA, with or without LVNC. Identifiers: Orphanet 154, MedGen C2677338, MONDO:0012808, OMIM 612158.

Submission:

Labcorp Genetics (formerly Invitae), Labcorp
Classification: Uncertain significance for Primary familial hypertrophic cardiomyopathy; Dilated cardiomyopathy 1AA. Last evaluated: 2024-11-24. Review status: criteria provided, single submitter. Criteria: Invitae Variant Classification Sherloc (09022015). Collection method: clinical testing. Allele origin: germline.
Comment: This sequence change replaces aspartic acid, which is acidic and polar, with tyrosine, which is neutral and polar, at codon 182 of the ACTN2 protein (p.Asp182Tyr). This variant is not present in population databases (gnomAD no frequency). This variant has not been reported in the literature in individuals affected with ACTN2-related conditions. Invitae Evidence Modeling of protein sequence and biophysical properties (such as structural, functional, and spatial information, amino acid conservation, physicochemical variation, residue mobility, and thermodynamic stability) indicates that this missense variant is expected to disrupt ACTN2 protein function with a positive predictive value of 80%. In summary, the available evidence is currently insufficient to determine the role of this variant in disease. Therefore, it has been classified as a Variant of Uncertain Significance.